The following is an entry in ClinVar:

ClinVar aggregate classification (germline): Uncertain significance (1 of 4 stars; one submission).

Submission:

Labcorp Genetics (formerly Invitae), Labcorp
Classification: Uncertain significance. Last evaluated: 2023-10-03. Review status: criteria provided, single submitter. Criteria: Invitae Variant Classification Sherloc (09022015). Collection method: clinical testing. Allele origin: germline.
Comment: This sequence change replaces histidine, which is basic and polar, with glutamine, which is neutral and polar, at codon 98 of the CLRN1 protein (p.His98Gln). This variant is not present in population databases (gnomAD no frequency). This variant has not been reported in the literature in individuals affected with CLRN1-related conditions. ClinVar contains an entry for this variant (Variation ID: 1407240). An algorithm developed to predict the effect of missense changes on protein structure and function (PolyPhen-2) suggests that this variant is likely to be disruptive. In summary, the available evidence is currently insufficient to determine the role of this variant in disease. Therefore, it has been classified as a Variant of Uncertain Significance.

NM_174878.3(CLRN1):c.294C>A (p.His98Gln)

Gene: CLRN1 (clarin 1; minus strand). Cytogenetic location: 3q25.1.
Variant type: single nucleotide variant.
Coding change: c.294C>A on transcript NM_174878.3 (MANE Select); coding-DNA position 294, C replaced by A.
Protein change: p.His98Gln; replaces histidine 98 with glutamine.
Molecular consequence: missense variant. On other transcripts: non-coding transcript variant (1).
Genome position (GRCh38, 1-based): chr3:150,941,721, G>T on the plus strand (C>A on the coding strand, the complement: CLRN1 is on the minus strand). VCF-style: chr3-150941721-G-T. GRCh37 (hg19) VCF-style: chr3-150659508-G-T.
Other names: c.294C>A, p.His98Gln (NM_001195794.1); c.466C>A, p.Arg156Ser (NM_001256819.2); c.66C>A, p.His22Gln (NM_052995.2); short protein forms H22Q, H98Q, R156S.
Identifiers: ClinVar variation 1407240 (VCV001407240.6), dbSNP rs774407660, ClinGen allele CA354956012.
Genomic context (GRCh38, chr3:150,941,721, plus strand): 5'-GAAGGCTGTCCCCACCATGGTTAACACAATAAGGATGGCAGAGAAGAGAATGACATTGAC[G>T]TGGATGCTCACTGGGATTGCTTTGAGCAAATCTGGAAAAACTGAAGATAAGACAAAACTA-3'
Protein context (NP_777367.1, residues 88-108): DLLKAIPVSI[His98Gln]VNVILFSAIL